The following is an entry in ClinVar:

ClinVar aggregate classification (germline): Benign. Review status: criteria provided, multiple submitters, no conflicts (2 of 4 stars). 2 submissions from 2 submitters: Benign (2). Last evaluated 2018-01-13.

Conditions:
Joubert syndrome 15 (JBTS15). Identifiers: Orphanet 475, MedGen C3280897, MONDO:0013763, OMIM 614464.

Allele frequency attached by ClinVar (database versions not stated): 1000 Genomes Project 0.00699; 1000 Genomes Project 30x 0.00781; gnomAD 0.00995 and 0.01015; ExAC 0.01059; gnomAD exomes 0.01065 and 0.01152; TOPMed 0.01147.
gnomAD v4.1: 4,789 of 454,106 alleles (1.1%); highest among the groups gnomAD compares: Middle Eastern, 2.6%; 46 homozygotes.

Submissions (2):

Illumina Laboratory Services, Illumina
Classification: Benign for Joubert syndrome 15. Last evaluated: 2018-01-13. Review status: criteria provided, single submitter. Criteria: ICSL Variant Classification Criteria 13 December 2019. Collection method: clinical testing. Allele origin: germline.
Comment: This variant was observed in the ICSL laboratory as part of a predisposition screen in an ostensibly healthy population. It had not been previously curated by ICSL or reported in the Human Gene Mutation Database (HGMD: prior to June 1st, 2018), and was therefore a candidate for classification through an automated scoring system. Utilizing variant allele frequency, disease prevalence and penetrance estimates, and inheritance mode, an automated score was calculated to assess if this variant is too frequent to cause the disease. Based on the score and internal cut-off values, a variant classified as benign is not then subjected to further curation. The score for this variant resulted in a classification of benign for this disease.

Breakthrough Genomics
Classification: Benign. Review status: criteria provided, single submitter. Criteria: ACMG Guidelines, 2015. Collection method: not provided. Allele origin: germline. Inheritance: Autosomal recessive inheritance. Affected: yes.

NM_018718.3(CEP41):c.*3783T>C

Gene: CEP41 (centrosomal protein 41; minus strand). Cytogenetic location: 7q32.2.
Variant type: single nucleotide variant.
Coding change: c.*3783T>C on transcript NM_018718.3 (MANE Select); 3783 bases downstream of the stop codon, T replaced by C.
Molecular consequence: 3 prime UTR variant. On other transcripts: non-coding transcript variant (1).
Genome position (GRCh38, 1-based): chr7:130,395,108, A>G on the plus strand (T>C on the coding strand, the complement: CEP41 is on the minus strand). VCF-style: chr7-130395108-A-G. GRCh37 (hg19) VCF-style: chr7-130034949-A-G.
Other names: c.*3783T>C (NM_001257158.2, NM_001257159.2).
Identifiers: ClinVar variation 910074 (VCV000910074.5), dbSNP rs117071818, ClinGen allele CA4485155.